The following is an entry in ClinVar:

NM_021738.3(SVIL):c.4947T>C (p.Leu1649=)

Genes: SVIL (supervillin; minus strand), SVIL-AS1 (SVIL antisense RNA 1; plus strand). Cytogenetic location: 10p11.23.
Variant type: single nucleotide variant.
Coding change: c.4947T>C on transcript NM_021738.3 (MANE Select); coding-DNA position 4947, T replaced by C.
Protein change: p.Leu1649=; no amino-acid change (leucine 1649 retained).
Molecular consequence: synonymous variant. On other transcripts: non-coding transcript variant (3).
Genome position (GRCh38, 1-based): chr10:29,484,664, A>G on the plus strand (T>C on the coding strand, the complement: SVIL is on the minus strand). VCF-style: chr10-29484664-A-G. GRCh37 (hg19) VCF-style: chr10-29773593-A-G.
Other names: c.4017T>C, p.Leu1339= (NM_001323599.2); c.3765T>C, p.Leu1255= (NM_001323600.1); c.3669T>C, p.Leu1223= (NM_003174.3).
Identifiers: ClinVar variation 3040252 (VCV003040252.18), dbSNP rs150805770, ClinGen allele CA5456378.

ClinVar aggregate classification (germline): Likely benign. Review status: criteria provided, single submitter (1 of 4 stars). 2 submissions from 2 submitters: Likely benign (1). 1 of the submissions does not count toward it. Last evaluated 2026-05-01.

Conditions:
SVIL-related disorder. Also called: SVIL-related condition.

Allele frequency attached by ClinVar (database versions not stated): 1000 Genomes Project 30x 0.00031; 1000 Genomes Project 0.00040; ESP Exome Variant Server 0.00054; ExAC 0.00058; TOPMed 0.00077; gnomAD 0.00082; gnomAD exomes 0.00108.
gnomAD v4.1: 1,682 of 1,612,106 alleles (0.1%); highest among the groups gnomAD compares: Non-Finnish European, 0.13%; no homozygotes.

Submissions (2):

CeGaT Center for Human Genetics Tuebingen
Classification: Likely benign. Last evaluated: 2026-05-01. Review status: criteria provided, single submitter. Criteria: CeGaT Center For Human Genetics Tuebingen Variant Classification Criteria Version 2. Collection method: clinical testing. Allele origin: germline. Affected: yes. Observed: 2 variant alleles.
Comment: SVIL: BP4, BP7

PreventionGenetics, part of Exact Sciences
Classification: Likely benign for SVIL-related condition. Last evaluated: 2022-09-16. Review status: no assertion criteria provided. Collection method: clinical testing. Allele origin: germline. Not counted in ClinVar's aggregate classification.
Comment: This variant is classified as likely benign based on ACMG/AMP sequence variant interpretation guidelines (Richards et al. 2015 PMID: 25741868, with internal and published modifications).